The following is an entry in ClinVar:

ClinVar aggregate classification (germline): Uncertain significance. Review status: criteria provided, multiple submitters, no conflicts (2 of 4 stars). 2 submissions from 2 submitters: Uncertain significance (2). Last evaluated 2025-10-18.

Conditions:
Hereditary cancer-predisposing syndrome. Also called: Hereditary Cancer Syndrome; Tumor predisposition; Hereditary neoplastic syndrome; Neoplastic Syndromes, Hereditary. Identifiers: Orphanet 140162, MedGen C0027672, MeSH D009386, MONDO:0015356.

gnomAD v4.1: 1 of 1,612,900 alleles (0.000062%); no homozygotes.

Submissions (2):

Labcorp Genetics (formerly Invitae), Labcorp
Classification: Uncertain significance for Hereditary cancer-predisposing syndrome. Last evaluated: 2025-10-18. Review status: criteria provided, single submitter. Criteria: Invitae Variant Classification Sherloc (09022015). Collection method: clinical testing. Allele origin: germline.
Comment: This sequence change replaces aspartic acid, which is acidic and polar, with alanine, which is neutral and non-polar, at codon 544 of the RAD50 protein (p.Asp544Ala). This variant is not present in population databases (gnomAD no frequency). This variant has not been reported in the literature in individuals affected with RAD50-related conditions. ClinVar contains an entry for this variant (Variation ID: 1040162). Invitae Evidence Modeling of protein sequence and biophysical properties (such as structural, functional, and spatial information, amino acid conservation, physicochemical variation, residue mobility, and thermodynamic stability) has been performed for this missense variant. However, the output from this modeling did not meet the statistical confidence thresholds required to predict the impact of this variant on RAD50 protein function. In summary, the available evidence is currently insufficient to determine the role of this variant in disease. Therefore, it has been classified as a Variant of Uncertain Significance.

Ambry Genetics
Classification: Uncertain significance for Hereditary cancer-predisposing syndrome. Last evaluated: 2024-08-26. Review status: criteria provided, single submitter. Criteria: Ambry Variant Classification Scheme 2023. Collection method: clinical testing. Allele origin: germline.
Comment: The p.D544A variant (also known as c.1631A>C), located in coding exon 10 of the RAD50 gene, results from an A to C substitution at nucleotide position 1631. The aspartic acid at codon 544 is replaced by alanine, an amino acid with dissimilar properties. This amino acid position is well conserved in available vertebrate species. In addition, the in silico prediction for this alteration is inconclusive. Since supporting evidence is limited at this time, the clinical significance of this alteration remains unclear.

NM_005732.4(RAD50):c.1631A>C (p.Asp544Ala)

Gene: RAD50 (RAD50 double strand break repair protein; plus strand). Cytogenetic location: 5q31.1.
Variant type: single nucleotide variant.
Coding change: c.1631A>C on transcript NM_005732.4 (MANE Select); coding-DNA position 1631, A replaced by C.
Protein change: p.Asp544Ala; replaces aspartic acid 544 with alanine.
Molecular consequence: missense variant.
Genome position (GRCh38, 1-based): chr5:132,591,402, A>C. VCF-style: chr5-132591402-A-C. GRCh37 (hg19) VCF-style: chr5-131927094-A-C.
Other names: short protein forms D544A.
Identifiers: ClinVar variation 1040162 (VCV001040162.10), dbSNP rs754840961, ClinGen allele CA360946200.